The following is an entry in ClinVar:

ClinVar aggregate classification (germline): Uncertain significance (1 of 4 stars; one submission).

Conditions:
Cutis laxa, autosomal recessive, type 1B (ARCL1B). Also called: CUTIS LAXA, AUTOSOMAL RECESSIVE, TYPE IB; EFEMP2-Related Cutis Laxa. Identifiers: Orphanet 90349, MedGen C3280798, MONDO:0013754, OMIM 614437. Disease mechanism: loss of function.

gnomAD v4.1: 1 of 1,614,074 alleles (0.000062%); highest among the groups gnomAD compares: Non-Finnish European, 0.000085%; no homozygotes.

Submission:

Labcorp Genetics (formerly Invitae), Labcorp
Classification: Uncertain significance for Cutis laxa, autosomal recessive, type 1B. Last evaluated: 2025-12-19. Review status: criteria provided, single submitter. Criteria: Invitae Variant Classification Sherloc (09022015). Collection method: clinical testing. Allele origin: germline.
Comment: This sequence change replaces threonine, which is neutral and polar, with serine, which is neutral and polar, at codon 349 of the EFEMP2 protein (p.Thr349Ser). This variant is present in population databases (rs762182573, gnomAD 0.0009%). This variant has not been reported in the literature in individuals affected with EFEMP2-related conditions. Invitae Evidence Modeling of protein sequence and biophysical properties (such as structural, functional, and spatial information, amino acid conservation, physicochemical variation, residue mobility, and thermodynamic stability) indicates that this missense variant is not expected to disrupt EFEMP2 protein function with a negative predictive value of 95%. In summary, the available evidence is currently insufficient to determine the role of this variant in disease. Therefore, it has been classified as a Variant of Uncertain Significance.

NM_016938.5(EFEMP2):c.1045A>T (p.Thr349Ser)

Gene: EFEMP2 (EGF-like fibulin extracellular matrix protein 2; minus strand). Cytogenetic location: 11q13.1.
Variant type: single nucleotide variant.
Coding change: c.1045A>T on transcript NM_016938.5 (MANE Select); coding-DNA position 1045, A replaced by T.
Protein change: p.Thr349Ser; replaces threonine 349 with serine.
Molecular consequence: missense variant. On other transcripts: non-coding transcript variant (1).
Genome position (GRCh38, 1-based): chr11:65,867,986, T>A on the plus strand (A>T on the coding strand, the complement: EFEMP2 is on the minus strand). VCF-style: chr11-65867986-T-A. GRCh37 (hg19) VCF-style: chr11-65635457-T-A.
Other names: short protein forms T349S.
Identifiers: ClinVar variation 4748155 (VCV004748155.1).